The following is an entry in ClinVar:

NM_001165963.4(SCN1A):c.2473dup (p.Tyr825fs)

Gene: SCN1A (sodium voltage-gated channel alpha subunit 1; minus strand). Cytogenetic location: 2q24.3.
Variant type: Duplication.
Coding change: c.2473dup on transcript NM_001165963.4 (MANE Select); coding-DNA position 2473, one base duplicated (T; older notation c.2473dupT).
Protein change: p.Tyr825fs; shifts the reading frame from tyrosine 825.
Molecular consequence: frameshift variant. On other transcripts: non-coding transcript variant (1).
Genome position (GRCh38, 1-based): chr2:166,039,539, A duplicated on the plus strand (T on the coding strand, the reverse complement: SCN1A is on the minus strand); the first of 2 consecutive A bases (chr2:166,039,539-166,039,540); duplicating either gives the same sequence. VCF-style (leftmost placement, unchanged base first): chr2-166039538-T-TA. GRCh37 (hg19) VCF-style: chr2-166896048-T-TA.
Other names: c.2473dup, p.Tyr825fs (NM_001202435.3, NM_001353948.2); c.2440dup, p.Tyr814fs (NM_001353949.2, NM_001353950.2, NM_001353951.2 and 2 more transcripts); c.2437dup, p.Tyr813fs (NM_001353954.2, NM_001353955.2); c.2389dup, p.Tyr797fs (NM_001353957.2, NM_001353958.2, NM_001165964.3); c.2386dup, p.Tyr796fs (NM_001353960.2); c.31dup, p.Tyr11fs (NM_001353961.2); short protein forms Y11fs, Y814fs, Y796fs, Y797fs, Y825fs, Y813fs.
Identifiers: ClinVar variation 3659820 (VCV003659820.2).
Genomic context (GRCh38, chr2:166,039,538, plus strand): 5'-ACCAGGCTAAGCGTCACAATAAAACCGTCAAAGATATTCCAGCCTTCTTGGAAATAATAG[T>TA]AAGGATCCATGGCAATAATTTTCAGAAACATTTCTGCTGTAAAGATCCCAGTGAAAACCT-3'

ClinVar aggregate classification (germline): Pathogenic (1 of 4 stars; one submission).

Conditions:
Early-infantile DEE. Also called: Ohtahara syndrome; Early infantile epileptic encephalopathy; Early infantile epileptic encephalopathy with suppression bursts. Identifiers: Orphanet 1934, MedGen C0393706, MONDO:0800491.

Submission:

Labcorp Genetics (formerly Invitae), Labcorp
Classification: Pathogenic for Early-infantile DEE. Last evaluated: 2024-07-30. Review status: criteria provided, single submitter. Criteria: Invitae Variant Classification Sherloc (09022015). Collection method: clinical testing. Allele origin: germline.
Comment: This sequence change creates a premature translational stop signal (p.Tyr825Leufs*12) in the SCN1A gene. It is expected to result in an absent or disrupted protein product. Loss-of-function variants in SCN1A are known to be pathogenic (PMID: 17347258, 18930999). This variant is not present in population databases (gnomAD no frequency). This variant has not been reported in the literature in individuals affected with SCN1A-related conditions. For these reasons, this variant has been classified as Pathogenic.

Literature cited by the submitters: PubMed 17347258; PubMed 18930999.